The following is an entry in ClinVar:

ClinVar aggregate classification (germline): Uncertain significance (1 of 4 stars; one submission).

Conditions:
Cardiovascular phenotype. Identifiers: MedGen CN230736.

Submission:

Ambry Genetics
Classification: Uncertain significance for Cardiovascular phenotype. Last evaluated: 2021-06-23. Review status: criteria provided, single submitter. Criteria: Ambry Variant Classification Scheme 2023. Collection method: clinical testing. Allele origin: germline.
Comment: The p.K646N variant (also known as c.1938G>T), located in coding exon 14 of the VCL gene, results from a G to T substitution at nucleotide position 1938. The lysine at codon 646 is replaced by asparagine, an amino acid with similar properties. This amino acid position is conserved. In addition, this alteration is predicted to be tolerated by in silico analysis. Since supporting evidence is limited at this time, the clinical significance of this alteration remains unclear.

NM_014000.3(VCL):c.1938G>T (p.Lys646Asn)

Gene: VCL (vinculin; plus strand). Cytogenetic location: 10q22.2.
Variant type: single nucleotide variant.
Coding change: c.1938G>T on transcript NM_014000.3 (MANE Select); coding-DNA position 1938, G replaced by T.
Protein change: p.Lys646Asn; replaces lysine 646 with asparagine.
Molecular consequence: missense variant.
Genome position (GRCh38, 1-based): chr10:74,101,013, G>T. VCF-style: chr10-74101013-G-T. GRCh37 (hg19) VCF-style: chr10-75860771-G-T.
Other names: c.1938G>T, p.Lys646Asn (NM_003373.4); short protein forms K646N.
Identifiers: ClinVar variation 1783000 (VCV001783000.2), dbSNP rs2549229728, ClinGen allele CA377277732.
Genomic context (GRCh38, chr10:74,101,013, plus strand): 5'-TGATGAGAGGGCAGCTAACTTTGAAAACCATTCAGGAAAGCTTGGTGCTACGGCCGAGAA[G>T]GCGGCTGCGGTTGGTACTGCTAATAAATCAACAGTGGAAGGCATTCAGGCCTCAGTGAAG-3'
Protein context (NP_054706.1, residues 636-656): HSGKLGATAE[Lys646Asn]AAAVGTANKS